The following is an entry in ClinVar:

ClinVar aggregate classification (germline): Uncertain significance (1 of 4 stars; one submission).

Submission:

Ambry Genetics
Classification: Uncertain significance. Last evaluated: 2024-08-21. Review status: criteria provided, single submitter. Criteria: Ambry Variant Classification Scheme 2023. Collection method: clinical testing. Allele origin: germline.
Comment: The p.A200G variant (also known as c.599C>G), located in coding exon 6 of the NQO1 gene, results from a C to G substitution at nucleotide position 599. The alanine at codon 200 is replaced by glycine, an amino acid with similar properties. This amino acid position is conserved. In addition, this alteration is predicted to be tolerated by in silico analysis. Based on the available evidence, the clinical significance of this variant remains unclear.

NM_000903.3(NQO1):c.599C>G (p.Ala200Gly)

Gene: NQO1 (NAD(P)H quinone dehydrogenase 1; minus strand). Cytogenetic location: 16q22.1.
Variant type: single nucleotide variant.
Coding change: c.599C>G on transcript NM_000903.3 (MANE Select); coding-DNA position 599, C replaced by G.
Protein change: p.Ala200Gly; replaces alanine 200 with glycine.
Molecular consequence: missense variant.
Genome position (GRCh38, 1-based): chr16:69,711,202, G>C on the plus strand (C>G on the coding strand, the complement: NQO1 is on the minus strand). VCF-style: chr16-69711202-G-C. GRCh37 (hg19) VCF-style: chr16-69745105-G-C.
Other names: c.497C>G, p.Ala166Gly (NM_001025433.2); c.485C>G, p.Ala162Gly (NM_001025434.2); c.383C>G, p.Ala128Gly (NM_001286137.2); short protein forms A128G, A166G, A162G, A200G.
Identifiers: ClinVar variation 3407555 (VCV003407555.1).